The following is an entry in ClinVar:

ClinVar aggregate classification (germline): Uncertain significance (1 of 4 stars; one submission).

gnomAD v4.1: 5 of 1,613,816 alleles (0.00031%); highest among the groups gnomAD compares: Admixed American, 0.0067%; no homozygotes.

Submission:

GeneDx
Classification: Uncertain significance. Last evaluated: 2024-10-16. Review status: criteria provided, single submitter. Criteria: GeneDx Variant Classification Process June 2021. Collection method: clinical testing. Allele origin: germline. Affected: yes.
Comment: Not observed at significant frequency in large population cohorts (gnomAD); Missense variant in a gene in which most reported pathogenic variants are truncating/loss of function; Has not been previously published as pathogenic or benign to our knowledge

NM_001267550.2(TTN):c.87754G>C (p.Glu29252Gln)

Genes: TTN (titin; minus strand), TTN-AS1 (TTN antisense RNA 1; plus strand). Cytogenetic location: 2q31.2.
Variant type: single nucleotide variant.
Coding change: c.87754G>C on transcript NM_001267550.2 (MANE Select); coding-DNA position 87754, G replaced by C.
Protein change: p.Glu29252Gln; replaces glutamic acid 29252 with glutamine.
Molecular consequence: missense variant.
Genome position (GRCh38, 1-based): chr2:178,557,508, C>G on the plus strand (G>C on the coding strand, the complement: TTN is on the minus strand). VCF-style: chr2-178557508-C-G. GRCh37 (hg19) VCF-style: chr2-179422235-C-G.
Other names: c.82831G>C, p.Glu27611Gln (NM_001256850.1); c.60559G>C, p.Glu20187Gln (NM_003319.4); c.80050G>C, p.Glu26684Gln (NM_133378.4); c.60934G>C, p.Glu20312Gln (NM_133432.3); c.61135G>C, p.Glu20379Gln (NM_133437.4); short protein forms E26684Q, E29252Q, E20312Q, E20187Q, E20379Q, E27611Q.
Identifiers: ClinVar variation 3781024 (VCV003781024.1).
Genomic context (GRCh38, chr2:178,557,508, plus strand): 5'-AGCCTACGACTGCACTGCCTCCATTTGACACTGGTTCATGCCAGCCCACAGTGATGCTTT[C>G]TCGAGTAACATTAGTGACCCATGGTGTAGATGGTGGTCCAGGTGTTGCTACAAAAGAGAG-3'
Protein context (NP_001254479.2, residues 29242-29262): STPWVTNVTR[Glu29252Gln]SITVGWHEPV